The following is an entry in ClinVar:

ClinVar aggregate classification (germline): Uncertain significance (1 of 4 stars; one submission).

Conditions:
Hereditary cancer-predisposing syndrome. Also called: Hereditary Cancer Syndrome; Tumor predisposition; Hereditary neoplastic syndrome; Neoplastic Syndromes, Hereditary. Identifiers: Orphanet 140162, MedGen C0027672, MeSH D009386, MONDO:0015356.

Submission:

Labcorp Genetics (formerly Invitae), Labcorp
Classification: Uncertain significance for Hereditary cancer-predisposing syndrome. Last evaluated: 2025-10-29. Review status: criteria provided, single submitter. Criteria: Invitae Variant Classification Sherloc (09022015). Collection method: clinical testing. Allele origin: germline.
Comment: This sequence change replaces asparagine, which is neutral and polar, with histidine, which is basic and polar, at codon 607 of the RAD50 protein (p.Asn607His). This variant is not present in population databases (gnomAD no frequency). This variant has not been reported in the literature in individuals affected with RAD50-related conditions. ClinVar contains an entry for this variant (Variation ID: 2908006). Invitae Evidence Modeling of protein sequence and biophysical properties (such as structural, functional, and spatial information, amino acid conservation, physicochemical variation, residue mobility, and thermodynamic stability) indicates that this missense variant is not expected to disrupt RAD50 protein function with a negative predictive value of 80%. In summary, the available evidence is currently insufficient to determine the role of this variant in disease. Therefore, it has been classified as a Variant of Uncertain Significance.

NM_005732.4(RAD50):c.1819A>C (p.Asn607His)

Gene: RAD50 (RAD50 double strand break repair protein; plus strand). Cytogenetic location: 5q31.1.
Variant type: single nucleotide variant.
Coding change: c.1819A>C on transcript NM_005732.4 (MANE Select); coding-DNA position 1819, A replaced by C.
Protein change: p.Asn607His; replaces asparagine 607 with histidine.
Molecular consequence: missense variant.
Genome position (GRCh38, 1-based): chr5:132,594,894, A>C. VCF-style: chr5-132594894-A-C. GRCh37 (hg19) VCF-style: chr5-131930586-A-C.
Other names: short protein forms N607H.
Identifiers: ClinVar variation 2908006 (VCV002908006.3), dbSNP rs2479649686, ClinGen allele CA360947498.